The following is an entry in ClinVar:

ClinVar aggregate classification (germline): Uncertain significance (1 of 4 stars; one submission).

Conditions:
Inborn genetic diseases. Identifiers: MedGen C0950123, MeSH D030342.

Submission:

Ambry Genetics
Classification: Uncertain significance for Inborn genetic diseases. Last evaluated: 2023-04-30. Review status: criteria provided, single submitter. Criteria: Ambry Variant Classification Scheme 2023. Collection method: clinical testing. Allele origin: germline.
Comment: The p.M2176I variant (also known as c.6528G>A), located in coding exon 38 of the ATR gene, results from a G to A substitution at nucleotide position 6528. The methionine at codon 2176 is replaced by isoleucine, an amino acid with highly similar properties. This amino acid position is conserved. In addition, the in silico prediction for this alteration is inconclusive. Since supporting evidence is limited at this time, the clinical significance of this alteration remains unclear.

NM_001184.4(ATR):c.6528G>A (p.Met2176Ile)

Gene: ATR (ATR checkpoint kinase; minus strand). Cytogenetic location: 3q23.
Variant type: single nucleotide variant.
Coding change: c.6528G>A on transcript NM_001184.4 (MANE Select); coding-DNA position 6528, G replaced by A.
Protein change: p.Met2176Ile; replaces methionine 2176 with isoleucine.
Molecular consequence: missense variant.
Genome position (GRCh38, 1-based): chr3:142,469,361, C>T on the plus strand (G>A on the coding strand, the complement: ATR is on the minus strand). VCF-style: chr3-142469361-C-T. GRCh37 (hg19) VCF-style: chr3-142188203-C-T.
Other names: c.6336G>A, p.Met2112Ile (NM_001354579.2); short protein forms M2112I, M2176I.
Identifiers: ClinVar variation 2567817 (VCV002567817.2), dbSNP rs2108278630, ClinGen allele CA354804247.